The following is an entry in ClinVar:

NM_000025.3(ADRB3):c.669C>T (p.Val223=)

Gene: ADRB3 (adrenoceptor beta 3; minus strand). Cytogenetic location: 8p11.23.
Variant type: single nucleotide variant.
Coding change: c.669C>T on transcript NM_000025.3 (MANE Select); coding-DNA position 669, C replaced by T.
Protein change: p.Val223=; no amino-acid change (valine 223 retained).
Molecular consequence: synonymous variant.
Genome position (GRCh38, 1-based): chr8:37,965,801, G>A on the plus strand (C>T on the coding strand, the complement: ADRB3 is on the minus strand). VCF-style: chr8-37965801-G-A. GRCh37 (hg19) VCF-style: chr8-37823319-G-A.
Identifiers: ClinVar variation 5039795 (VCV005039795.1).
Genomic context (GRCh38, chr8:37,965,801, plus strand): 5'-GCCCAGCTCCCCGCGCAGCAAGCGCAGCTGGCGCGTAGCCACCACGAAAACCCGCGCGTA[G>A]ACGAAGAGCATCACGAGAAGAGGAAGGTAGAAGGAGACGGAGGAGGACAGCAGCACGTAG-3'
Protein context (NP_000016.1, residues 213-233): FYLPLLVMLF[Val223=]YARVFVVATR

ClinVar aggregate classification (germline): Likely benign (1 of 4 stars; one submission).

Submission:

CeGaT Center for Human Genetics Tuebingen
Classification: Likely benign. Last evaluated: 2026-07-01. Review status: criteria provided, single submitter. Criteria: CeGaT Center For Human Genetics Tuebingen Variant Classification Criteria Version 2. Collection method: clinical testing. Allele origin: germline. Affected: yes. Observed: 1 variant allele.
Comment: ADRB3: PM2:Supporting, BP4, BP7